The following is an entry in ClinVar:

NM_000080.4(CHRNE):c.374A>G (p.Asp125Gly)

Genes: C17orf107 (chromosome 17 open reading frame 107; plus strand), CHRNE (cholinergic receptor nicotinic epsilon subunit; minus strand). Cytogenetic location: 17p13.2.
Variant type: single nucleotide variant.
Coding change: c.374A>G on transcript NM_000080.4 (MANE Select); coding-DNA position 374, A replaced by G.
Protein change: p.Asp125Gly; replaces aspartic acid 125 with glycine.
Molecular consequence: missense variant. On other transcripts: 3 prime UTR variant (1).
Genome position (GRCh38, 1-based): chr17:4,902,058, T>C on the plus strand (A>G on the coding strand, the complement: CHRNE is on the minus strand). VCF-style: chr17-4902058-T-C. GRCh37 (hg19) VCF-style: chr17-4805353-T-C.
Other names: c.*1525T>C (NM_001145536.2); short protein forms D125G.
Identifiers: ClinVar variation 3638817 (VCV003638817.2).
Genomic context (GRCh38, chr17:4,902,058, plus strand): 5'-CGGTAGATGGCCGGAGGCAGCCACGTCACGGAGCCGCCCTCGTAGACGAGCACGTTGGCG[T>C]CGTAGGCCACTCCGAACTGGCCATCAATACTGTGGGCTCGGGGAAACCGAGCTTTTTGCA-3'
Protein context (NP_000071.1, residues 115-135): NIDGQFGVAY[Asp125Gly]ANVLVYEGGS

ClinVar aggregate classification (germline): Uncertain significance (1 of 4 stars; one submission).

Conditions:
Congenital myasthenic syndrome 4A. Also called: MYASTHENIC SYNDROME, CONGENITAL, 4A, SLOW-CHANNEL, AUTOSOMAL RECESSIVE; Myasthenic syndrome, congenital, 4a, slow-channel; CONGENITAL MYASTHENIC SYNDROME TYPE Ia1. Identifiers: Orphanet 590, MedGen C4225413, MONDO:0011600, OMIM 605809.

Submission:

Labcorp Genetics (formerly Invitae), Labcorp
Classification: Uncertain significance for Congenital myasthenic syndrome 4A. Last evaluated: 2025-09-03. Review status: criteria provided, single submitter. Criteria: Invitae Variant Classification Sherloc (09022015). Collection method: clinical testing. Allele origin: germline.
Comment: This sequence change replaces aspartic acid, which is acidic and polar, with glycine, which is neutral and non-polar, at codon 125 of the CHRNE protein (p.Asp125Gly). This variant is not present in population databases (gnomAD no frequency). This variant has not been reported in the literature in individuals affected with CHRNE-related conditions. ClinVar contains an entry for this variant (Variation ID: 3638817). Invitae Evidence Modeling of protein sequence and biophysical properties (such as structural, functional, and spatial information, amino acid conservation, physicochemical variation, residue mobility, and thermodynamic stability) indicates that this missense variant is not expected to disrupt CHRNE protein function with a negative predictive value of 95%. In summary, the available evidence is currently insufficient to determine the role of this variant in disease. Therefore, it has been classified as a Variant of Uncertain Significance.